The following is an entry in ClinVar:

ClinVar aggregate classification (germline): Uncertain significance (1 of 4 stars; one submission).

Allele frequency attached by ClinVar (database versions not stated): gnomAD exomes below 0.00001.
gnomAD v4.1: 1 of 1,614,128 alleles (0.000062%); highest among the groups gnomAD compares: Non-Finnish European, 0.000085%; no homozygotes.

Submission:

CeGaT Center for Human Genetics Tuebingen
Classification: Uncertain significance. Last evaluated: 2022-07-01. Review status: criteria provided, single submitter. Criteria: CeGaT Center For Human Genetics Tuebingen Variant Classification Criteria Version 2. Collection method: clinical testing. Allele origin: germline. Affected: yes. Observed: 1 variant allele.
Comment: STIM2: PM2:Supporting, BP4

NM_020860.4(STIM2):c.1362G>T (p.Leu454=)

Gene: STIM2 (stromal interaction molecule 2; plus strand). Cytogenetic location: 4p15.2.
Variant type: single nucleotide variant.
Coding change: c.1362G>T on transcript NM_020860.4 (MANE Select); coding-DNA position 1362, G replaced by T.
Protein change: p.Leu454=; no amino-acid change (leucine 454 retained).
Molecular consequence: synonymous variant.
Genome position (GRCh38, 1-based): chr4:27,008,875, G>T. VCF-style: chr4-27008875-G-T. GRCh37 (hg19) VCF-style: chr4-27010497-G-T.
Other names: c.1362G>T, p.Leu454= (NM_001169117.2); c.1386G>T, p.Leu462= (NM_001169118.2).
Identifiers: ClinVar variation 2654705 (VCV002654705.24), dbSNP rs2474957901, ClinGen allele CA438898338.